The following is an entry in ClinVar:

NM_000551.4(VHL):c.340+687G>A

Genes: VHL (von Hippel-Lindau tumor suppressor; plus strand), LOC107303340 (3p25 von Hippel-Lindau tumor suppressor, E3 ubiquitin protein ligase Alu-mediated recombination region; plus strand). Cytogenetic location: 3p25.3.
Variant type: single nucleotide variant.
Coding change: c.340+687G>A on transcript NM_000551.4 (MANE Select); 687 bases into the intron after coding-DNA position 340, G replaced by A.
Molecular consequence: intron variant. On other transcripts: missense variant (1).
Genome position (GRCh38, 1-based): chr3:10,142,874, G>A. VCF-style: chr3-10142874-G-A. GRCh37 (hg19) VCF-style: chr3-10184558-G-A.
Other names: c.340+687G>A (NM_198156.3); c.452G>A, p.Gly151Asp (NM_001354723.2); short protein forms G151D.
Identifiers: ClinVar variation 1057193 (VCV001057193.12), dbSNP rs2125125975, ClinGen allele CA2499216364.

ClinVar aggregate classification (germline): Uncertain significance (1 of 4 stars; one submission).

Conditions:
Chuvash polycythemia. Also called: POLYCYTHEMIA, VHL-DEPENDENT. Identifiers: Orphanet 238557, MedGen C1837915, MONDO:0009892, OMIM 263400.
Von Hippel-Lindau syndrome (VHLS). Also called: Von Hippel-Lindau; von Hippel–Lindau syndrome; VHL syndrome. Identifiers: Orphanet 892, MedGen C0019562, MONDO:0008667, OMIM 193300. Disease mechanism: loss of function.

Submission:

Labcorp Genetics (formerly Invitae), Labcorp
Classification: Uncertain significance for Von Hippel-Lindau syndrome; Chuvash polycythemia. Last evaluated: 2022-10-11. Review status: criteria provided, single submitter. Criteria: Invitae Variant Classification Sherloc (09022015). Collection method: clinical testing. Allele origin: germline.
Comment: In summary, the available evidence is currently insufficient to determine the role of this variant in disease. Therefore, it has been classified as a Variant of Uncertain Significance. Studies have shown that this variant is associated with altered splicing resulting in unknown protein product impact (Invitae). This sequence change falls in intron 1 of the VHL gene. It is not expected to change the encoded amino acid sequence of the VHL protein. However, this sequence change falls within a cryptic exon in the VHL gene, known as exon E1’, which is naturally expressed at low levels in several human tissues (PMID: 29891534). This variant is not present in population databases (gnomAD no frequency). This variant has not been reported in the literature in individuals affected with VHL-related conditions. ClinVar contains an entry for this variant (Variation ID: 1057193).

Literature cited by the submitters: PubMed 29891534.